The following is an entry in ClinVar:

ClinVar aggregate classification (germline): Uncertain significance (1 of 4 stars; one submission).

Submission:

Labcorp Genetics (formerly Invitae), Labcorp
Classification: Uncertain significance. Last evaluated: 2025-01-11. Review status: criteria provided, single submitter. Criteria: Invitae Variant Classification Sherloc (09022015). Collection method: clinical testing. Allele origin: germline.
Comment: This sequence change creates a premature translational stop signal (p.Arg4723Asnfs*20) in the HMCN1 gene. It is expected to result in an absent or disrupted protein product. However, the current clinical and genetic evidence is not sufficient to establish whether loss-of-function variants in HMCN1 cause disease. This variant is present in population databases (no rsID available, gnomAD 0.1%). This premature translational stop signal has been observed in individual(s) with clinical features of retinitis pigmentosa (internal data). In summary, the available evidence is currently insufficient to determine the role of this variant in disease. Therefore, it has been classified as a Variant of Uncertain Significance.

NM_031935.3(HMCN1):c.14168_14169del (p.Arg4723fs)

Gene: HMCN1 (hemicentin 1; plus strand). Cytogenetic location: 1q31.1.
Variant type: Microsatellite.
Coding change: c.14168_14169del on transcript NM_031935.3 (MANE Select); coding-DNA positions 14168 to 14169, 2 bases deleted (GA; older notation c.14168_14169delGA).
Protein change: p.Arg4723fs; shifts the reading frame from arginine 4723.
Molecular consequence: frameshift variant.
Genome position (GRCh38, 1-based): chr1:186,144,605-186,144,606, GA deleted; deleting any 2 consecutive bases within chr1:186,144,602-186,144,606 gives the same sequence; the c. name uses the placement nearest the transcript's 3' end. VCF-style (leftmost placement, unchanged base first): chr1-186144601-CAG-C. GRCh37 (hg19) VCF-style: chr1-186113733-CAG-C.
Other names: short protein forms R4723fs.
Identifiers: ClinVar variation 2046712 (VCV002046712.4), dbSNP rs1194088193, ClinGen allele CA528079364.